The following is an entry in ClinVar:

ClinVar aggregate classification (germline): Uncertain significance. Review status: criteria provided, multiple submitters, no conflicts (2 of 4 stars). 2 submissions from 2 submitters: Uncertain significance (2). Last evaluated 2024-07-15.

Conditions:
Succinate-semialdehyde dehydrogenase deficiency (SSADHD). Also called: Succinic Semialdehyde Dehydrogenase Deficiency; 4-HYDROXYBUTYRIC ACIDURIA; GABA METABOLIC DEFECT; SSADH DEFICIENCY. Identifiers: Orphanet 22, MedGen C0268631, MONDO:0010083, OMIM 271980.

Allele frequency attached by ClinVar (database versions not stated): gnomAD 0.00001; TOPMed 0.00003; gnomAD exomes 0.00004 and 0.00006; ExAC 0.00007.

Submissions (2):

Labcorp Genetics (formerly Invitae), Labcorp
Classification: Uncertain significance for Succinate-semialdehyde dehydrogenase deficiency. Last evaluated: 2024-07-15. Review status: criteria provided, single submitter. Criteria: Invitae Variant Classification Sherloc (09022015). Collection method: clinical testing. Allele origin: germline.
Comment: This sequence change replaces glycine, which is neutral and non-polar, with serine, which is neutral and polar, at codon 309 of the ALDH5A1 protein (p.Gly309Ser). This variant is present in population databases (rs768719885, gnomAD 0.009%). This missense change has been observed in individual(s) with clinical features of ALDH5A1-related conditions (PMID: 28191889). ClinVar contains an entry for this variant (Variation ID: 356137). Advanced modeling of protein sequence and biophysical properties (such as structural, functional, and spatial information, amino acid conservation, physicochemical variation, residue mobility, and thermodynamic stability) has been performed at Invitae for this missense variant, however the output from this modeling did not meet the statistical confidence thresholds required to predict the impact of this variant on ALDH5A1 protein function. In summary, the available evidence is currently insufficient to determine the role of this variant in disease. Therefore, it has been classified as a Variant of Uncertain Significance.

Illumina Laboratory Services, Illumina
Classification: Uncertain significance for Succinate-semialdehyde dehydrogenase deficiency. Last evaluated: 2018-01-12. Review status: criteria provided, single submitter. Criteria: ICSL Variant Classification Criteria 13 December 2019. Collection method: clinical testing. Allele origin: germline.

Literature cited by the submitters: PubMed 28191889 (cited by Labcorp Genetics (formerly Invitae), Labcorp).

NM_001080.3(ALDH5A1):c.925G>A (p.Gly309Ser)

Gene: ALDH5A1 (aldehyde dehydrogenase 5 family member A1; plus strand). Cytogenetic location: 6p22.3.
Variant type: single nucleotide variant.
Coding change: c.925G>A on transcript NM_001080.3 (MANE Select); coding-DNA position 925, G replaced by A.
Protein change: p.Gly309Ser; replaces glycine 309 with serine.
Molecular consequence: missense variant.
Genome position (GRCh38, 1-based): chr6:24,520,455, G>A. VCF-style: chr6-24520455-G-A. GRCh37 (hg19) VCF-style: chr6-24520683-G-A.
Other names: c.781G>A, p.Gly261Ser (NM_001368954.1); c.964G>A, p.Gly322Ser (NM_170740.1); short protein forms G322S, G309S, G261S.
Identifiers: ClinVar variation 356137 (VCV000356137.12), dbSNP rs768719885, ClinGen allele CA3656797.